The following is an entry in ClinVar:

NM_001009944.3(PKD1):c.10563_10567del (p.Ser3523fs)

Genes: PKD1 (polycystin 1, transient receptor potential channel interacting; minus strand), PKD1-AS1 (PKD1 antisense RNA 1; plus strand). Cytogenetic location: 16p13.3.
Variant type: Deletion.
Coding change: c.10563_10567del on transcript NM_001009944.3 (MANE Select); coding-DNA positions 10563 to 10567, 5 bases deleted (ACCCA; older notation c.10563_10567delACCCA).
Protein change: p.Ser3523fs; shifts the reading frame from serine 3523.
Molecular consequence: frameshift variant.
Genome position (GRCh38, 1-based): chr16:2,094,143-2,094,147, TGGGT deleted on the plus strand (ACCCA on the coding strand, the reverse complement: PKD1 is on the minus strand). VCF-style (leftmost placement, unchanged base first): chr16-2094142-CTGGGT-C. GRCh37 (hg19) VCF-style: chr16-2144143-CTGGGT-C.
Other names: c.10560_10564del, p.Ser3522fs (NM_000296.4); short protein forms S3522fs, S3523fs.
Identifiers: ClinVar variation 3236371 (VCV003236371.1), dbSNP rs2544654552, ClinGen allele CA2825002359.

ClinVar aggregate classification (germline): Pathogenic (1 of 4 stars; one submission).

Conditions:
Polycystic kidney disease, adult type (PKD1). Also called: Polycystic Kidney Disease 1, Autosomal Dominant; Polycystic kidney disease 1; Polycystic kidney disease 1, severe; Polycystic Kidney, Autosomal Dominant; POLYCYSTIC KIDNEY DISEASE 1 WITH OR WITHOUT POLYCYSTIC LIVER DISEASE; POLYCYSTIC KIDNEY DISEASE, ADULT, TYPE I. Identifiers: MedGen C3149841, MONDO:0008263, OMIM 173900.

Submission:

MVZ Medizinische Genetik Mainz
Classification: Pathogenic for Polycystic kidney disease, adult type. Last evaluated: 2024-02-27. Review status: criteria provided, single submitter. Criteria: UK Practice Guidelines For Variant Classification V4 01 2020. Collection method: clinical testing. Allele origin: germline. Inheritance: Autosomal dominant inheritance. Affected: yes. Observed: 1 variant allele.
Comment: ACMG Criteria: PVS1,PS1_SUP,PM2_SUP,PP4